The following is an entry in ClinVar:

NM_001184.4(ATR):c.5997T>A (p.His1999Gln)

Gene: ATR (ATR serine/threonine kinase; minus strand). Cytogenetic location: 3q23.
Variant type: single nucleotide variant.
Coding change: c.5997T>A on transcript NM_001184.4 (MANE Select); coding-DNA position 5997, T replaced by A.
Protein change: p.His1999Gln; replaces histidine 1999 with glutamine.
Molecular consequence: missense variant.
Genome position (GRCh38, 1-based): chr3:142,493,213, A>T on the plus strand (T>A on the coding strand, the complement: ATR is on the minus strand). VCF-style: chr3-142493213-A-T. GRCh37 (hg19) VCF-style: chr3-142212055-A-T.
Other names: c.5805T>A, p.His1935Gln (NM_001354579.2); short protein forms H1999Q, H1935Q.
Identifiers: ClinVar variation 3331419 (VCV003331419.1).

ClinVar aggregate classification (germline): Uncertain significance (1 of 4 stars; one submission).

Conditions:
Inborn genetic diseases. Identifiers: MedGen C0950123, MeSH D030342.

Submission:

Ambry Genetics
Classification: Uncertain significance for Inborn genetic diseases. Last evaluated: 2024-03-29. Review status: criteria provided, single submitter. Criteria: Ambry Variant Classification Scheme 2023. Collection method: clinical testing. Allele origin: germline.
Comment: The p.H1999Q variant (also known as c.5997T>A), located in coding exon 35 of the ATR gene, results from a T to A substitution at nucleotide position 5997. The histidine at codon 1999 is replaced by glutamine, an amino acid with highly similar properties. This amino acid position is conserved. In addition, this alteration is predicted to be tolerated by in silico analysis. Based on the available evidence, the clinical significance of this alteration remains unclear.